The following is an entry in ClinVar:

ClinVar aggregate classification (germline): Uncertain significance. Review status: criteria provided, multiple submitters, no conflicts (2 of 4 stars). 3 submissions from 3 submitters: Uncertain significance (3). Last evaluated 2024-05-22.

Conditions:
Cystic fibrosis (CF). Also called: MUCOVISCIDOSIS. Identifiers: Orphanet 586, MedGen C0010674, MONDO:0009061, OMIM 219700. Disease mechanism: loss of function.

Allele frequency attached by ClinVar (database versions not stated): gnomAD exomes below 0.00001; gnomAD 0.00001; ExAC 0.00001.
gnomAD v4.1: 43 of 1,613,960 alleles (0.0027%); highest among the groups gnomAD compares: Non-Finnish European, 0.0036%; no homozygotes.

Submissions (3):

Labcorp Genetics (formerly Invitae), Labcorp
Classification: Uncertain significance for Cystic fibrosis. Last evaluated: 2024-05-22. Review status: criteria provided, single submitter. Criteria: Invitae Variant Classification Sherloc (09022015). Collection method: clinical testing. Allele origin: germline.
Comment: This sequence change replaces leucine, which is neutral and non-polar, with phenylalanine, which is neutral and non-polar, at codon 926 of the CFTR protein (p.Leu926Phe). This variant is present in population databases (rs767910302, gnomAD 0.002%). This missense change has been observed in individual(s) with cystic fibrosis (PMID: 22326559). ClinVar contains an entry for this variant (Variation ID: 1163873). Advanced modeling of protein sequence and biophysical properties (such as structural, functional, and spatial information, amino acid conservation, physicochemical variation, residue mobility, and thermodynamic stability) performed at Invitae indicates that this missense variant is not expected to disrupt CFTR protein function with a negative predictive value of 80%. In summary, the available evidence is currently insufficient to determine the role of this variant in disease. Therefore, it has been classified as a Variant of Uncertain Significance.

Ambry Genetics
Classification: Uncertain significance for Cystic fibrosis. Last evaluated: 2024-01-23. Review status: criteria provided, single submitter. Criteria: Ambry Variant Classification Scheme 2023. Collection method: clinical testing. Allele origin: germline.
Comment: The p.L926F variant (also known as c.2778G>T), located in coding exon 17 of the CFTR gene, results from a G to T substitution at nucleotide position 2778. The leucine at codon 926 is replaced by phenylalanine, an amino acid with highly similar properties. This alteration was identified in an individual screened for CFTR alterations (Poulou M et al. J Cyst Fibros, 2012 Jul;11:344-8). This amino acid position is not well conserved in available vertebrate species. In addition, the in silico prediction for this alteration is inconclusive. Since supporting evidence is limited at this time, the clinical significance of this alteration remains unclear.

Mayo Clinic Laboratories, Mayo Clinic
Classification: Uncertain significance. Last evaluated: 2020-10-26. Review status: criteria provided, single submitter. Criteria: ACMG Guidelines, 2015. Collection method: clinical testing. Allele origin: germline. Observed: 1 variant allele.

Literature cited by the submitters: PubMed 22326559 (cited by Labcorp Genetics (formerly Invitae), Labcorp and Ambry Genetics).

NM_000492.4(CFTR):c.2778G>T (p.Leu926Phe)

Gene: CFTR (CF transmembrane conductance regulator; plus strand). Cytogenetic location: 7q31.2.
Variant type: single nucleotide variant.
Coding change: c.2778G>T on transcript NM_000492.4 (MANE Select); coding-DNA position 2778, G replaced by T.
Protein change: p.Leu926Phe; replaces leucine 926 with phenylalanine.
Molecular consequence: missense variant.
Genome position (GRCh38, 1-based): chr7:117,603,652, G>T. VCF-style: chr7-117603652-G-T. GRCh37 (hg19) VCF-style: chr7-117243706-G-T.
Other names: short protein forms L926F.
Identifiers: ClinVar variation 1163873 (VCV001163873.10), dbSNP rs767910302, ClinGen allele CA4451287.
Genomic context (GRCh38, chr7:117,603,652, plus strand): 5'-TATCACCAGCACCAGTTCGTATTATGTGTTTTACATTTACGTGGGAGTAGCCGACACTTT[G>T]CTTGCTATGGGATTCTTCAGAGGTCTACCACTGGTGCATACTCTAATCACAGTGTCGAAA-3'
Protein context (NP_000483.3, residues 916-936): FYIYVGVADT[Leu926Phe]LAMGFFRGLP